The following is an entry in ClinVar:

NM_003626.5(PPFIA1):c.87G>T (p.Gln29His)

Gene: PPFIA1 (PTPRF interacting protein alpha 1; plus strand). Cytogenetic location: 11q13.3.
Variant type: single nucleotide variant.
Coding change: c.87G>T on transcript NM_003626.5 (MANE Select); coding-DNA position 87, G replaced by T.
Protein change: p.Gln29His; replaces glutamine 29 with histidine.
Molecular consequence: missense variant. On other transcripts: non-coding transcript variant (1).
Genome position (GRCh38, 1-based): chr11:70,272,259, G>T. VCF-style: chr11-70272259-G-T. GRCh37 (hg19) VCF-style: chr11-70118365-G-T.
Other names: c.87G>T, p.Gln29His (NM_001378006.1, NM_177423.3); short protein forms Q29H.
Identifiers: ClinVar variation 3038874 (VCV003038874.2), dbSNP rs35662360, ClinGen allele CA6158549.

ClinVar aggregate classification (germline): Benign (0 of 4 stars; one submission).

Conditions:
PPFIA1-related disorder. Also called: PPFIA1-related condition.

Allele frequency attached by ClinVar (database versions not stated): gnomAD exomes 0.00034; ExAC 0.00110; 1000 Genomes Project 30x 0.00250; 1000 Genomes Project 0.00260; gnomAD 0.00369; TOPMed 0.00445; ESP Exome Variant Server 0.00570.
gnomAD v4.1: 1,077 of 1,614,182 alleles (0.067%); highest among the groups gnomAD compares: African/African-American, 1.3%; 10 homozygotes.

Submission:

PreventionGenetics, part of Exact Sciences
Classification: Benign for PPFIA1-related condition. Last evaluated: 2019-03-21. Review status: no assertion criteria provided. Collection method: clinical testing. Allele origin: germline.
Comment: This variant is classified as benign based on ACMG/AMP sequence variant interpretation guidelines (Richards et al. 2015 PMID: 25741868, with internal and published modifications).